The following continues an entry in ClinVar:

NM_001048174.2(MUTYH):c.773G>A (p.Gly258Glu)

Gene: MUTYH. ClinVar aggregate classification (germline): Pathogenic/Likely pathogenic. Pathogenic (9); Likely pathogenic (4).

Submissions 10 to 15 of 15:

Ambry Genetics
Classification: Pathogenic for Hereditary cancer-predisposing syndrome. Last evaluated: 2023-07-27. Review status: criteria provided, single submitter. Criteria: Ambry Variant Classification Scheme 2023. Collection method: clinical testing. Allele origin: germline.
Comment: The p.G286E pathogenic mutation (also known as c.857G>A) is located in coding exon 10 of the MUTYH gene. This alteration results from a G to A substitution at nucleotide position 857. The glycine at codon 286 is replaced by glutamic acid, an amino acid with very few similar properties. In another functional study, this alteration had mutation suppression levels similar to wild type, but defective glycosylation levels (Komine K et al. Hum. Mutat. 2015 Jul;36(7):704-11). In addition, this variant was detected in the homozygous state in multiple individuals with polyposis by our laboratory (Ambry internal data). Of note, this alteration was previously designated as p.G272E in the literature. This amino acid position is highly conserved in available vertebrate species. In addition, this alteration is predicted to be deleterious by in silico analysis. Based on the supporting evidence, this alteration is interpreted as a disease-causing mutation.

Revvity Omics, Revvity
Classification: Likely pathogenic for Familial adenomatous polyposis 2. Last evaluated: 2019-05-02. Review status: criteria provided, single submitter. Criteria: ACMG Guidelines, 2015. Collection method: clinical testing. Allele origin: germline.

Soonchunhyang University Bucheon Hospital, Soonchunhyang University Medical Center
Classification: Likely pathogenic for Familial adenomatous polyposis 2. Last evaluated: 2016-03-18. Review status: criteria provided, single submitter. Criteria: ACMG Guidelines, 2015. Collection method: reference population. Allele origin: germline. Observed: 1 variant allele.

Juno Genomics, Hangzhou Juno Genomics, Inc
Classification: Pathogenic for Familial adenomatous polyposis 2; Gastric cancer. Review status: criteria provided, single submitter. Criteria: ACMG Guidelines, 2015. Collection method: clinical testing. Allele origin: germline. Affected: yes.
Comment: Absent from controls (or at extremely low frequency if recessive) in Genome Aggregation Database, Exome Sequencing Project, 1000 Genomes Project, or Exome Aggregation Consortium.;Multiple lines of computational evidence support a deleterious effect on the gene or gene product (conservation, evolutionary, splicing impact, etc).;For recessive disorders, detected in trans with a pathogenic variant.;Co-segregation with disease in multiple affected family members in a gene definitively known to cause the disease.

Laboratory for Genotyping Development, RIKEN
Classification: Pathogenic for Gastric cancer. Last evaluated: 2021-07-01. Review status: no assertion criteria provided. Collection method: research. Allele origin: germline. Not counted in ClinVar's aggregate classification.

GeneReviews
No classification provided. Condition: Familial adenomatous polyposis 2. Review status: no classification provided. Collection method: literature only. Allele origin: germline. Not counted in ClinVar's aggregate classification.
Comment: Found in Japanese & Korean populations

Literature cited by the submitters: PubMed 25820570 (cited by 7 submitters); PubMed 17703316 (cited by 8 submitters); PubMed 28533537 (cited by 5 submitters); PubMed 18422726 (cited by 9 submitters); PubMed 25892863 (cited by 5 submitters); PubMed 29330641 (cited by 5 submitters); PubMed 28251689 (cited by 3 submitters); PubMed 33471991 (cited by Quest Diagnostics Nichols Institute San Juan Capistrano); PubMed 30833417 (cited by 4 submitters); PubMed 35803914 (cited by Quest Diagnostics Nichols Institute San Juan Capistrano); PubMed 39541563 (cited by Quest Diagnostics Nichols Institute San Juan Capistrano); PubMed 32761968 (cited by 3 submitters); PubMed 36988593 (cited by Laboratory for Genotyping Development, RIKEN); PubMed 23035301 (cited by GeneReviews).